The following is an entry in ClinVar:

ClinVar aggregate classification (germline): Uncertain significance (1 of 4 stars; one submission).

Conditions:
INSL3-related disorder. Also called: INSL3-related condition.

Submission:

PreventionGenetics, part of Exact Sciences
Classification: Uncertain significance for INSL3-related condition. Last evaluated: 2026-04-29. Review status: criteria provided, single submitter. Criteria: ACMG Guidelines, 2015. Collection method: clinical testing. Allele origin: germline.
Comment: The INSL3 c.412C>T variant is predicted to result in premature protein termination (p.Gln138*). To our knowledge, this variant has not been reported in the literature. This variant is reported in 0.00088% of alleles in individuals of European (Non-Finnish) descent in gnomAD. At this time, the clinical significance of this variant is uncertain due to the absence of conclusive functional and genetic evidence.

NM_005543.4(INSL3):c.317C>T (p.Ala106Val)

Gene: INSL3 (insulin like 3; minus strand). Cytogenetic location: 19p13.11.
Variant type: single nucleotide variant.
Coding change: c.317C>T on transcript NM_005543.4 (MANE Select); coding-DNA position 317, C replaced by T.
Protein change: p.Ala106Val; replaces alanine 106 with valine.
Molecular consequence: missense variant. On other transcripts: nonsense (1).
Genome position (GRCh38, 1-based): chr19:17,816,933, G>A on the plus strand (C>T on the coding strand, the complement: INSL3 is on the minus strand). VCF-style: chr19-17816933-G-A. GRCh37 (hg19) VCF-style: chr19-17927742-G-A.
Other names: c.412C>T, p.Gln138Ter (NM_001265587.2); short protein forms A106V, Q138*.
Identifiers: ClinVar variation 4995363 (VCV004995363.1).